The following is an entry in ClinVar:

NM_001042492.3(NF1):c.55G>T (p.Glu19Ter)

Genes: MIR4733HG (MIR4733 host gene; minus strand), NF1 (neurofibromin 1; plus strand), LOC111811965 (NF1 (neurofibromin 1) promoter region; plus strand). Cytogenetic location: 17q11.2.
Variant type: single nucleotide variant.
Coding change: c.55G>T on transcript NM_001042492.3 (MANE Select); coding-DNA position 55, G replaced by T.
Protein change: p.Glu19Ter; replaces glutamic acid 19 with a stop codon.
Molecular consequence: nonsense. On other transcripts: non-coding transcript variant (1).
Genome position (GRCh38, 1-based): chr17:31,095,364, G>T. VCF-style: chr17-31095364-G-T. GRCh37 (hg19) VCF-style: chr17-29422382-G-T.
Other names: c.55G>T, p.Glu19Ter (NM_000267.4, NM_001128147.3); short protein forms E19*.
Identifiers: ClinVar variation 186896 (VCV000186896.16), dbSNP rs786203307, ClinGen allele CA196174.

ClinVar aggregate classification (germline): Pathogenic. Review status: criteria provided, multiple submitters, no conflicts (2 of 4 stars). 8 submissions from 8 submitters: Pathogenic (8). Last evaluated 2025-09-28.

Conditions:
Juvenile myelomonocytic leukemia (JMML). Also called: LEUKEMIA, JUVENILE MYELOMONOCYTIC, SOMATIC. Identifiers: Orphanet 86834, MedGen C0349639, MONDO:0011908, OMIM 607785, HP:0012209.
Café-au-lait macules with pulmonary stenosis (WTSN). Also called: PULMONIC STENOSIS WITH CAFE-AU-LAIT SPOTS. Identifiers: MedGen C0553586, MONDO:0008672, OMIM 193520.
Neurofibromatosis, type 1 (NF1). Also called: NEUROFIBROMATOSIS, TYPE I, SOMATIC; VON RECKLINGHAUSEN DISEASE; Peripheral type neurofibromatosis; Neurofibromatosis, type I. Identifiers: Orphanet 636, MedGen C0027831, MONDO:0018975, OMIM 162200. Disease mechanism: loss of function.
Neurofibromatosis-Noonan syndrome (NFNS). Also called: NEUROFIBROMATOSIS WITH NOONAN PHENOTYPE. Identifiers: Orphanet 638, MedGen C2931482, MONDO:0011035, OMIM 601321. Disease mechanism: loss of function.
Neurofibromatosis, familial spinal (FSNF). Identifiers: Orphanet 636, MedGen C1834235, MONDO:0008078, OMIM 162210. Disease mechanism: loss of function.
Hereditary cancer-predisposing syndrome. Also called: Hereditary Cancer Syndrome; Neoplastic Syndromes, Hereditary; Tumor predisposition; Hereditary neoplastic syndrome. Identifiers: Orphanet 140162, MedGen C0027672, MeSH D009386, MONDO:0015356.

Allele frequency attached by ClinVar (database versions not stated): gnomAD exomes below 0.00001.
gnomAD v4.1: 1 of 1,539,922 alleles (0.000065%); highest among the groups gnomAD compares: South Asian, 0.0012%; no homozygotes.

Submissions (8):

Labcorp Genetics (formerly Invitae), Labcorp
Classification: Pathogenic for Neurofibromatosis, type 1. Last evaluated: 2025-09-28. Review status: criteria provided, single submitter. Criteria: Invitae Variant Classification Sherloc (09022015). Collection method: clinical testing. Allele origin: germline.
Comment: This sequence change creates a premature translational stop signal (p.Glu19*) in the NF1 gene. It is expected to result in an absent or disrupted protein product. Loss-of-function variants in NF1 are known to be pathogenic (PMID: 10712197, 23913538). This variant is not present in population databases (gnomAD no frequency). This variant has not been reported in the literature in individuals affected with NF1-related conditions. Invitae Evidence Modeling of clinical and family history, age, sex, and reported ancestry of multiple individuals with this NF1 variant has been performed. This variant is expected to be pathogenic with a positive predictive value of at least 99%. This is a validated machine learning model that incorporates the clinical features of 1,785,918 individuals referred to our laboratory for NF1 testing. ClinVar contains an entry for this variant (Variation ID: 186896). For these reasons, this variant has been classified as Pathogenic.

Women's Health and Genetics/Laboratory Corporation of America, LabCorp
Classification: Pathogenic for Neurofibromatosis, type 1. Last evaluated: 2025-06-03. Review status: criteria provided, single submitter. Criteria: LabCorp Variant Classification Summary - May 2015. Collection method: clinical testing. Allele origin: germline.
Comment: Variant summary: NF1 c.55G>T (p.Glu19X) results in a premature termination codon, predicted to cause a truncation of the encoded protein or absence of the protein due to nonsense mediated decay, which are commonly known mechanisms for disease. The frequency data for this variant in gnomAD is considered unreliable, as metrics indicate poor data quality at this position. c.55G>T has been observed in individual(s) affected with Neurofibromatosis Type 1 (example: Valero_2011). These data indicate that the variant may be associated with disease. The following publication have been ascertained in the context of this evaluation (PMID: 21354044). ClinVar contains an entry for this variant (Variation ID: 186896). Based on the evidence outlined above, the variant was classified as pathogenic.

GeneDx
Classification: Pathogenic. Last evaluated: 2024-02-02. Review status: criteria provided, single submitter. Criteria: GeneDx Variant Classification Process June 2021. Collection method: clinical testing. Allele origin: germline. Affected: yes.
Comment: Nonsense variant predicted to result in protein truncation or nonsense mediated decay in a gene for which loss-of-function is a known mechanism of disease; Not observed at significant frequency in large population cohorts (gnomAD); This variant is associated with the following publications: (PMID: 10712197, 31768065, 34630515, 26969325)

Centre of Medical Genetics, University Hospital Muenster
Classification: Pathogenic for Neurofibromatosis, type 1. Last evaluated: 2022-08-31. Review status: criteria provided, single submitter. Criteria: ACMG Guidelines, 2015. Collection method: clinical testing. Allele origin: unknown. Affected: yes. Observed: 1 variant allele, 1 heterozygote.
Comment: ACMG categories: PVS1,PM2,PP3,PP5

Genome-Nilou Lab
Classification: Pathogenic for Neurofibromatosis, type 1. Last evaluated: 2022-03-15. Review status: criteria provided, single submitter. Criteria: ACMG Guidelines, 2015. Collection method: clinical testing. Allele origin: germline. Affected: no.

Center for Human Genetics, Inc
Classification: Pathogenic for Neurofibromatosis, type 1. Last evaluated: 2016-11-01. Review status: criteria provided, single submitter. Criteria: ACMG Guidelines, 2015. Collection method: clinical testing. Allele origin: germline. Affected: yes.

Ambry Genetics
Classification: Pathogenic for Hereditary cancer-predisposing syndrome. Last evaluated: 2014-11-11. Review status: criteria provided, single submitter. Criteria: Ambry Autosomal Dominant and X-Linked criteria (10/2015). Collection method: clinical testing. Allele origin: germline. Observed: 1 variant allele.
Comment: The p.E19* pathogenic mutation (also known as c.55G>T) located in coding exon 1 of the NF1 gene, results from a G to T substitution at nucleotide position 55. This changes the amino acid from a glutamic acid to a stop codon within coding exon 1. This mutation has been detected in one individual with a clinical diagnosis of neurofibromatosis type 1 (Fahsold R, Am. J. Hum. Genet. 2000 Mar;66(3):790-818). Since premature stop codons are typically deleterious in nature, this alteration is interpreted as a disease-causing mutation (ACMG Recommendations for Standards for Interpretation and Reporting of Sequence Variations. Revision 2007. Genet Med. 2008;10:294).

Molecular Genetics Lab, CHRU Brest
Classification: Pathogenic for Juvenile myelomonocytic leukemia; Neurofibromatosis-Noonan syndrome; Café-au-lait macules with pulmonary stenosis; Neurofibromatosis, familial spinal; Neurofibromatosis, type 1. Review status: criteria provided, single submitter. Criteria: ACMG Guidelines, 2015. Collection method: clinical testing. Allele origin: paternal. Affected: yes.

Literature cited by the submitters: PubMed 10712197 (cited by Labcorp Genetics (formerly Invitae), Labcorp and Ambry Genetics); PubMed 23913538 (cited by Labcorp Genetics (formerly Invitae), Labcorp); PubMed 21354044 (cited by Women's Health and Genetics/Laboratory Corporation of America, LabCorp).